The following is an entry in ClinVar:

NM_001372044.2(SHANK3):c.4024G>A (p.Gly1342Arg)

Gene: SHANK3 (SH3 and multiple ankyrin repeat domains 3; plus strand). Cytogenetic location: 22q13.33.
Variant type: single nucleotide variant.
Coding change: c.4024G>A on transcript NM_001372044.2 (MANE Select); coding-DNA position 4024, G replaced by A.
Protein change: p.Gly1342Arg; replaces glycine 1342 with arginine.
Molecular consequence: missense variant.
Genome position (GRCh38, 1-based): chr22:50,721,632, G>A. VCF-style: chr22-50721632-G-A. GRCh37 (hg19) VCF-style: chr22-51160060-G-A.
Other names: c.3799G>A (NM_033517.1); short protein forms G1342R.
Identifiers: ClinVar variation 1254193 (VCV001254193.3), dbSNP rs773137381, ClinGen allele CA10326144.

ClinVar aggregate classification (germline): Uncertain significance (1 of 4 stars; one submission).

Allele frequency attached by ClinVar (database versions not stated): gnomAD 0.00001; gnomAD exomes 0.00001; TOPMed 0.00002.

Submission:

GeneDx
Classification: Uncertain significance. Last evaluated: 2023-12-02. Review status: criteria provided, single submitter. Criteria: GeneDx Variant Classification Process June 2021. Collection method: clinical testing. Allele origin: germline. Affected: yes.
Comment: Has not been previously published as pathogenic or benign to our knowledge; In silico analysis supports that this missense variant has a deleterious effect on protein structure/function